The following is an entry in ClinVar:

ClinVar aggregate classification (germline): Uncertain significance (1 of 4 stars; one submission).

gnomAD v4.1: 1 of 1,614,132 alleles (0.000062%); highest among the groups gnomAD compares: Non-Finnish European, 0.000085%; no homozygotes.

Submission:

Labcorp Genetics (formerly Invitae), Labcorp
Classification: Uncertain significance. Last evaluated: 2025-10-14. Review status: criteria provided, single submitter. Criteria: Invitae Variant Classification Sherloc (09022015). Collection method: clinical testing. Allele origin: germline.
Comment: This sequence change replaces valine, which is neutral and non-polar, with alanine, which is neutral and non-polar, at codon 147 of the SERPING1 protein (p.Val147Ala). This variant is not present in population databases (gnomAD no frequency). This variant has not been reported in the literature in individuals affected with SERPING1-related conditions. Invitae Evidence Modeling of protein sequence and biophysical properties (such as structural, functional, and spatial information, amino acid conservation, physicochemical variation, residue mobility, and thermodynamic stability) indicates that this missense variant is expected to disrupt SERPING1 protein function with a positive predictive value of 80%. In summary, the available evidence is currently insufficient to determine the role of this variant in disease. Therefore, it has been classified as a Variant of Uncertain Significance.

NM_000062.3(SERPING1):c.440T>C (p.Val147Ala)

Gene: SERPING1 (serpin family G member 1; plus strand). Cytogenetic location: 11q12.1.
Variant type: single nucleotide variant.
Coding change: c.440T>C on transcript NM_000062.3 (MANE Select); coding-DNA position 440, T replaced by C.
Protein change: p.Val147Ala; replaces valine 147 with alanine.
Molecular consequence: missense variant.
Genome position (GRCh38, 1-based): chr11:57,600,267, T>C. VCF-style: chr11-57600267-T-C. GRCh37 (hg19) VCF-style: chr11-57367740-T-C.
Other names: c.440T>C, p.Val147Ala (NM_001032295.2); short protein forms V147A.
Identifiers: ClinVar variation 4810614 (VCV004810614.1).
Genomic context (GRCh38, chr11:57,600,267, plus strand): 5'-TTACTCTCTGCTCTGACTTGGAGAGTCATTCAACAGAGGCCGTGTTGGGGGATGCTTTGG[T>C]AGATTTCTCCCTGAAGCTCTACCACGCCTTCTCAGCAATGAAGAAGGTGGAGACCAACAT-3'
Protein context (NP_000053.2, residues 137-157): STEAVLGDAL[Val147Ala]DFSLKLYHAF